The following is an entry in ClinVar:

ClinVar aggregate classification (germline): Uncertain significance (1 of 4 stars; one submission).

Conditions:
Diffuse cerebral and cerebellar atrophy - intractable seizures - progressive microcephaly syndrome. Also called: Microcephaly, progressive, with seizures and cerebral and cerebellar atrophy. Identifiers: Orphanet 404437, MedGen C4014239, MONDO:0014335, OMIM 615760.

Submission:

Labcorp Genetics (formerly Invitae), Labcorp
Classification: Uncertain significance for Diffuse cerebral and cerebellar atrophy - intractable seizures - progressive microcephaly syndrome. Last evaluated: 2022-08-10. Review status: criteria provided, single submitter. Criteria: Invitae Variant Classification Sherloc (09022015). Collection method: clinical testing. Allele origin: germline.
Comment: This sequence change falls in intron 23 of the QARS gene. It does not directly change the encoded amino acid sequence of the QARS protein. In summary, the available evidence is currently insufficient to determine the role of this variant in disease. Therefore, it has been classified as a Variant of Uncertain Significance. Experimental studies and prediction algorithms are not available or were not evaluated, and the effect of this variant on mRNA splicing is currently unknown. This variant has not been reported in the literature in individuals affected with QARS-related conditions. Information on the frequency of this variant in the gnomAD database is not available, as this variant may be reported differently in the database.

NM_005051.3(QARS1):c.2277+16_2277+17delinsAC

Gene: QARS1 (glutaminyl-tRNA synthetase 1; minus strand). Cytogenetic location: 3p21.31.
Variant type: Indel.
Coding change: c.2277+16_2277+17delinsAC on transcript NM_005051.3 (MANE Select); bases 16 to 17 of the intron after coding-DNA position 2277, CA replaced by AC.
Molecular consequence: intron variant.
Genome position (GRCh38, 1-based): chr3:49,097,975-49,097,976, TG replaced by GT on the plus strand (CA replaced by AC on the coding strand, the reverse complement: QARS1 is on the minus strand). VCF-style: chr3-49097975-TG-GT. GRCh37 (hg19) VCF-style: chr3-49135408-TG-GT.
Other names: c.2244+16_2244+17delinsAC (NM_001272073.2).
Identifiers: ClinVar variation 2023486 (VCV002023486.4), dbSNP rs2471842343, ClinGen allele CA2580069982.